The following is an entry in ClinVar:

NM_001710.6(CFB):c.2167del (p.Asp723fs)

Gene: CFB (complement factor B; plus strand). Cytogenetic location: 6p21.33.
Variant type: Deletion.
Coding change: c.2167del on transcript NM_001710.6 (MANE Select); coding-DNA position 2167, one base deleted (G; older notation c.2167delG).
Protein change: p.Asp723fs; shifts the reading frame from aspartic acid 723.
Molecular consequence: frameshift variant.
Genome position (GRCh38, 1-based): chr6:31,951,902, G deleted; the last of 2 consecutive G bases (chr6:31,951,901-31,951,902); deleting either gives the same sequence. VCF-style (leftmost placement, unchanged base first): chr6-31951900-TG-T. GRCh37 (hg19) VCF-style: chr6-31919677-TG-T.
Other names: short protein forms D723fs.
Identifiers: ClinVar variation 2788109 (VCV002788109.3), dbSNP rs2482721029, ClinGen allele CA2678075101.

ClinVar aggregate classification (germline): Uncertain significance (1 of 4 stars; one submission).

Submission:

Labcorp Genetics (formerly Invitae), Labcorp
Classification: Uncertain significance. Last evaluated: 2024-04-01. Review status: criteria provided, single submitter. Criteria: Invitae Variant Classification Sherloc (09022015). Collection method: clinical testing. Allele origin: germline.
Comment: This sequence change creates a premature translational stop signal (p.Asp723Metfs*30) in the CFB gene. While this is not anticipated to result in nonsense mediated decay, it is expected to disrupt the last 42 amino acid(s) of the CFB protein. This variant is not present in population databases (gnomAD no frequency). This variant has not been reported in the literature in individuals affected with CFB-related conditions. Experimental studies and prediction algorithms are not available or were not evaluated, and the functional significance of this variant is currently unknown. Algorithms developed to predict the effect of sequence changes on RNA splicing suggest that this variant may disrupt the consensus splice site. In summary, the available evidence is currently insufficient to determine the role of this variant in disease. Therefore, it has been classified as a Variant of Uncertain Significance.